The following is an entry in ClinVar:

NM_001113378.2(FANCI):c.3186+6A>G

Gene: FANCI (FA complementation group I; plus strand). Cytogenetic location: 15q26.1.
Variant type: single nucleotide variant.
Coding change: c.3186+6A>G on transcript NM_001113378.2 (MANE Select); 6 bases into the intron after coding-DNA position 3186, A replaced by G.
Molecular consequence: intron variant.
Genome position (GRCh38, 1-based): chr15:89,305,248, A>G. VCF-style: chr15-89305248-A-G. GRCh37 (hg19) VCF-style: chr15-89848479-A-G.
Other names: c.3006+6A>G (NM_018193.3); c.3186+6A>G (NM_001376911.1); c.2907+6A>G (NM_001376910.1).
Identifiers: ClinVar variation 1002544 (VCV001002544.6), dbSNP rs910020158, ClinGen allele CA274525365.

ClinVar aggregate classification (germline): Uncertain significance (1 of 4 stars; one submission).

Conditions:
Fanconi anemia (FA). Also called: Fanconi's anemia. Identifiers: Orphanet 84, MedGen C0015625, MeSH D005199, MONDO:0019391.

Allele frequency attached by ClinVar (database versions not stated): gnomAD exomes below 0.00001.
gnomAD v4.1: 1 of 1,614,250 alleles (0.000062%); highest among the groups gnomAD compares: Non-Finnish European, 0.000085%; no homozygotes.

Submission:

Labcorp Genetics (formerly Invitae), Labcorp
Classification: Uncertain significance for Fanconi anemia. Last evaluated: 2020-09-20. Review status: criteria provided, single submitter. Criteria: Invitae Variant Classification Sherloc (09022015). Collection method: clinical testing. Allele origin: germline.
Comment: In summary, the available evidence is currently insufficient to determine the role of this variant in disease. Therefore, it has been classified as a Variant of Uncertain Significance. Nucleotide substitutions within the consensus splice site are a relatively common cause of aberrant splicing (PMID: 17576681, 9536098). Algorithms developed to predict the effect of sequence changes on RNA splicing suggest that this variant is not likely to affect RNA splicing, but this prediction has not been confirmed by published transcriptional studies. This variant has not been reported in the literature in individuals with FANCI-related conditions. This variant is not present in population databases (ExAC no frequency). This sequence change falls in intron 29 of the FANCI gene. It does not directly change the encoded amino acid sequence of the FANCI protein, but it affects a nucleotide within the consensus splice site of the intron.

Literature cited by the submitters: PubMed 17576681; PubMed 9536098.